The following is an entry in ClinVar:

NM_001369.3(DNAH5):c.7501C>T (p.Arg2501Trp)

Gene: DNAH5 (dynein axonemal heavy chain 5; minus strand). Cytogenetic location: 5p15.2.
Variant type: single nucleotide variant.
Coding change: c.7501C>T on transcript NM_001369.3 (MANE Select); coding-DNA position 7501, C replaced by T.
Protein change: p.Arg2501Trp; replaces arginine 2501 with tryptophan.
Molecular consequence: missense variant.
Genome position (GRCh38, 1-based): chr5:13,810,167, G>A on the plus strand (C>T on the coding strand, the complement: DNAH5 is on the minus strand). VCF-style: chr5-13810167-G-A. GRCh37 (hg19) VCF-style: chr5-13810276-G-A.
Other names: short protein forms R2501W.
Identifiers: ClinVar variation 3711828 (VCV003711828.2).

ClinVar aggregate classification (germline): Uncertain significance (1 of 4 stars; one submission).

Conditions:
Primary ciliary dyskinesia. Also called: Ciliary dyskinesia. Identifiers: Orphanet 244, MedGen C0008780, MONDO:0016575, HP:0012265.

gnomAD v4.1: 2 of 1,548,458 alleles (0.00013%); highest among the groups gnomAD compares: Non-Finnish European, 0.00017%; no homozygotes.

Submission:

Labcorp Genetics (formerly Invitae), Labcorp
Classification: Uncertain significance for Primary ciliary dyskinesia. Last evaluated: 2024-04-08. Review status: criteria provided, single submitter. Criteria: Invitae Variant Classification Sherloc (09022015). Collection method: clinical testing. Allele origin: germline.
Comment: This sequence change replaces arginine, which is basic and polar, with tryptophan, which is neutral and slightly polar, at codon 2501 of the DNAH5 protein (p.Arg2501Trp). The frequency data for this variant in the population databases is considered unreliable, as metrics indicate poor data quality at this position in the gnomAD database. This variant has not been reported in the literature in individuals affected with DNAH5-related conditions. Advanced modeling of protein sequence and biophysical properties (such as structural, functional, and spatial information, amino acid conservation, physicochemical variation, residue mobility, and thermodynamic stability) performed at Invitae indicates that this missense variant is not expected to disrupt DNAH5 protein function with a negative predictive value of 95%. This variant disrupts the p.Arg2501 amino acid residue in DNAH5. Other variant(s) that disrupt this residue have been determined to be pathogenic (PMID: 16627867, 19357118, 25802884, 30067075, 32357925). This suggests that this residue is clinically significant, and that variants that disrupt this residue are likely to be disease-causing. In summary, the available evidence is currently insufficient to determine the role of this variant in disease. Therefore, it has been classified as a Variant of Uncertain Significance.

Literature cited by the submitters: PubMed 16627867; PubMed 19357118; PubMed 25802884; PubMed 30067075; PubMed 32357925.